The following is an entry in ClinVar:

ClinVar aggregate classification (germline): Uncertain significance. Review status: criteria provided, multiple submitters, no conflicts (2 of 4 stars). 2 submissions from 2 submitters: Uncertain significance (2). Last evaluated 2025-07-19.

Conditions:
Tuberous sclerosis 2 (TSC2). Identifiers: Orphanet 805, MedGen C1860707, MONDO:0013199, OMIM 613254.
Hereditary cancer-predisposing syndrome. Also called: Neoplastic Syndromes, Hereditary; Hereditary neoplastic syndrome; Tumor predisposition; Hereditary Cancer Syndrome. Identifiers: Orphanet 140162, MedGen C0027672, MeSH D009386, MONDO:0015356.

Allele frequency attached by ClinVar (database versions not stated): TOPMed below 0.00001.

Submissions (2):

Ambry Genetics
Classification: Uncertain significance for Hereditary cancer-predisposing syndrome. Last evaluated: 2025-07-19. Review status: criteria provided, single submitter. Criteria: Ambry Variant Classification Scheme 2023. Collection method: clinical testing. Allele origin: germline.
Comment: The p.H1773L variant (also known as c.5318A>T), located in coding exon 41 of the TSC2 gene, results from an A to T substitution at nucleotide position 5318. The histidine at codon 1773 is replaced by leucine, an amino acid with similar properties. This amino acid position is conserved. In addition, the in silico prediction for this alteration is inconclusive. Since supporting evidence is limited at this time, the clinical significance of this alteration remains unclear.

Labcorp Genetics (formerly Invitae), Labcorp
Classification: Uncertain significance for Tuberous sclerosis 2. Last evaluated: 2024-12-20. Review status: criteria provided, single submitter. Criteria: Invitae Variant Classification Sherloc (09022015). Collection method: clinical testing. Allele origin: germline.
Comment: This sequence change replaces histidine, which is basic and polar, with leucine, which is neutral and non-polar, at codon 1773 of the TSC2 protein (p.His1773Leu). This variant is not present in population databases (gnomAD no frequency). This variant has not been reported in the literature in individuals affected with TSC2-related conditions. ClinVar contains an entry for this variant (Variation ID: 661272). Invitae Evidence Modeling of protein sequence and biophysical properties (such as structural, functional, and spatial information, amino acid conservation, physicochemical variation, residue mobility, and thermodynamic stability) indicates that this missense variant is not expected to disrupt TSC2 protein function with a negative predictive value of 95%. In summary, the available evidence is currently insufficient to determine the role of this variant in disease. Therefore, it has been classified as a Variant of Uncertain Significance.

NM_000548.5(TSC2):c.5318A>T (p.His1773Leu)

Gene: TSC2 (TSC complex subunit 2; plus strand). Cytogenetic location: 16p13.3.
Variant type: single nucleotide variant.
Coding change: c.5318A>T on transcript NM_000548.5 (MANE Select); coding-DNA position 5318, A replaced by T.
Protein change: p.His1773Leu; replaces histidine 1773 with leucine.
Molecular consequence: missense variant.
Genome position (GRCh38, 1-based): chr16:2,088,504, A>T. VCF-style: chr16-2088504-A-T. GRCh37 (hg19) VCF-style: chr16-2138505-A-T.
Other names: c.5117A>T, p.His1706Leu (NM_001077183.3); c.5249A>T, p.His1750Leu (NM_001114382.3); c.5009A>T, p.His1670Leu (NM_001318827.2); c.4973A>T, p.His1658Leu (NM_001318829.2); c.4586A>T, p.His1529Leu (NM_001318831.2); c.5150A>T, p.His1717Leu (NM_001318832.2); c.5120A>T, p.His1707Leu (NM_001363528.2); c.5186A>T, p.His1729Leu (NM_001370404.1); and 2 more; short protein forms H1707L, H1717L, H1729L, H1730L, H1706L, H1726L, H1529L, H1773L.
Identifiers: ClinVar variation 661272 (VCV000661272.11), dbSNP rs45517418, ClinGen allele CA394315477.